The following is an entry in ClinVar:

NM_001365276.2(TNXB):c.1745_1746delinsTA (p.Gly582Val)

Gene: TNXB (tenascin XB; minus strand). Cytogenetic location: 6p21.33.
Variant type: Indel.
Coding change: c.1745_1746delinsTA on transcript NM_001365276.2 (MANE Select); coding-DNA positions 1745 to 1746, GC replaced by TA.
Protein change: p.Gly582Val; replaces glycine 582 with valine.
Molecular consequence: missense variant.
Genome position (GRCh38, 1-based): chr6:32,096,107-32,096,108, GC replaced by TA on the plus strand (GC replaced by TA on the coding strand, the reverse complement: TNXB is on the minus strand). VCF-style: chr6-32096107-GC-TA. GRCh37 (hg19) VCF-style: chr6-32063884-GC-TA.
Other names: c.1745_1746delinsTA, p.Gly582Val (NM_001428335.1, NM_019105.8); short protein forms G582V.
Identifiers: ClinVar variation 3901349 (VCV003901349.1).
Genomic context (GRCh38, chr6:32,096,107, plus strand): 5'-GTCCTGGCACACGCCGTGCTGGCTGCAGTCATTCGGGCACTGCCTCACACCGCAATCCTC[GC>TA]CAGAGTAGCCGTCCTCGCACACACACCGCCCATCTAGGCACTGGCCGCGGCCTCGGCAGC-3'
Protein context (NP_001352205.1, residues 572-592): GRCVCEDGYS[Gly582Val]EDCGVRQCPN

ClinVar aggregate classification (germline): Uncertain significance (1 of 4 stars; one submission).

Submission:

GeneDx
Classification: Uncertain significance. Last evaluated: 2024-12-04. Review status: criteria provided, single submitter. Criteria: GeneDx Variant Classification Process June 2021. Collection method: clinical testing. Allele origin: germline. Affected: yes.
Comment: Not observed at significant frequency in large population cohorts (gnomAD); Has not been previously published as pathogenic or benign to our knowledge; In silico analysis does not support a benign or deleterious effect of this variant on protein structure/function